The following is an entry in ClinVar:

NM_001849.4(COL6A2):c.2728T>C (p.Tyr910His)

Gene: COL6A2 (collagen type VI alpha 2 chain; plus strand). Cytogenetic location: 21q22.3.
Variant type: single nucleotide variant.
Coding change: c.2728T>C on transcript NM_001849.4 (MANE Select); coding-DNA position 2728, T replaced by C.
Protein change: p.Tyr910His; replaces tyrosine 910 with histidine.
Molecular consequence: missense variant.
Genome position (GRCh38, 1-based): chr21:46,132,220, T>C. VCF-style: chr21-46132220-T-C. GRCh37 (hg19) VCF-style: chr21-47552134-T-C.
Other names: short protein forms Y910H.
Identifiers: ClinVar variation 951255 (VCV000951255.10), dbSNP rs554257211, ClinGen allele CA10072994.

ClinVar aggregate classification (germline): Uncertain significance (1 of 4 stars; one submission).

Conditions:
Bethlem myopathy 1A. Also called: Bethlem Muscular Dystrophy; Bethlem myopathy 1; MYOPATHY, BENIGN CONGENITAL, WITH CONTRACTURES. Identifiers: Orphanet 610, MedGen CN029274, MONDO:0024530, OMIM 158810.

Allele frequency attached by ClinVar (database versions not stated): 1000 Genomes Project 0.00040; gnomAD 0.00001; gnomAD exomes 0.00001 and 0.00004; ExAC 0.00017; 1000 Genomes Project 30x 0.00031.
gnomAD v4.1: 15 of 1,595,090 alleles (0.00094%); highest among the groups gnomAD compares: South Asian, 0.015%; no homozygotes.

Submission:

Labcorp Genetics (formerly Invitae), Labcorp
Classification: Uncertain significance for Bethlem myopathy 1A. Last evaluated: 2023-07-10. Review status: criteria provided, single submitter. Criteria: Invitae Variant Classification Sherloc (09022015). Collection method: clinical testing. Allele origin: germline.
Comment: This variant is present in population databases (rs554257211, gnomAD 0.03%). In summary, the available evidence is currently insufficient to determine the role of this variant in disease. Therefore, it has been classified as a Variant of Uncertain Significance. Advanced modeling of protein sequence and biophysical properties (such as structural, functional, and spatial information, amino acid conservation, physicochemical variation, residue mobility, and thermodynamic stability) performed at Invitae indicates that this missense variant is expected to disrupt COL6A2 protein function. ClinVar contains an entry for this variant (Variation ID: 951255). This variant has not been reported in the literature in individuals affected with COL6A2-related conditions. This sequence change replaces tyrosine, which is neutral and polar, with histidine, which is basic and polar, at codon 910 of the COL6A2 protein (p.Tyr910His).